The following is an entry in ClinVar:

ClinVar aggregate classification (germline): Uncertain significance (1 of 4 stars; one submission).

Submission:

Ambry Genetics
Classification: Uncertain significance. Last evaluated: 2024-04-11. Review status: criteria provided, single submitter. Criteria: Ambry Variant Classification Scheme 2023. Collection method: clinical testing. Allele origin: germline.
Comment: The p.R2518G variant (also known as c.7552C>G), located in coding exon 29 of the POLQ gene, results from a C to G substitution at nucleotide position 7552. The arginine at codon 2518 is replaced by glycine, an amino acid with dissimilar properties. This amino acid position is conserved. In addition, this alteration is predicted to be tolerated by in silico analysis. Based on the available evidence, the clinical significance of this variant remains unclear.

NM_199420.4(POLQ):c.7552C>G (p.Arg2518Gly)

Gene: POLQ (DNA polymerase theta; minus strand). Cytogenetic location: 3q13.33.
Variant type: single nucleotide variant.
Coding change: c.7552C>G on transcript NM_199420.4 (MANE Select); coding-DNA position 7552, C replaced by G.
Protein change: p.Arg2518Gly; replaces arginine 2518 with glycine.
Molecular consequence: missense variant.
Genome position (GRCh38, 1-based): chr3:121,433,025, G>C on the plus strand (C>G on the coding strand, the complement: POLQ is on the minus strand). VCF-style: chr3-121433025-G-C. GRCh37 (hg19) VCF-style: chr3-121151872-G-C.
Other names: short protein forms R2518G.
Identifiers: ClinVar variation 3308551 (VCV003308551.1).